The following is an entry in ClinVar:

ClinVar aggregate classification (germline): Benign/Likely benign. Review status: criteria provided, multiple submitters, no conflicts (2 of 4 stars). 4 submissions from 4 submitters: Benign (1); Likely benign (3). Last evaluated 2026-06-01.

Conditions:
RYR3-related disorder. Also called: RYR3-related condition.
Epileptic encephalopathy. Identifiers: MedGen C0543888, HP:0200134.

Allele frequency attached by ClinVar (database versions not stated): 1000 Genomes Project 30x 0.00078; 1000 Genomes Project 0.00080; TOPMed 0.00106; gnomAD 0.00122 and 0.00127; gnomAD exomes 0.00132 and 0.00191; ExAC 0.00180; ESP Exome Variant Server 0.00199.
gnomAD v4.1: 2,964 of 1,613,652 alleles (0.18%); highest among the groups gnomAD compares: Non-Finnish European, 0.23%; 5 homozygotes.

Submissions (4):

CeGaT Center for Human Genetics Tuebingen
Classification: Likely benign. Last evaluated: 2026-06-01. Review status: criteria provided, single submitter. Criteria: CeGaT Center For Human Genetics Tuebingen Variant Classification Criteria Version 2. Collection method: clinical testing. Allele origin: germline. Affected: yes. Observed: 4 variant alleles.
Comment: RYR3: BP4, BP7

PreventionGenetics, part of Exact Sciences
Classification: Likely benign for RYR3-related condition. Last evaluated: 2026-03-30. Review status: criteria provided, single submitter. Criteria: ACMG Guidelines, 2015. Collection method: clinical testing. Allele origin: germline.
Comment: This variant is classified as likely benign based on ACMG/AMP sequence variant interpretation guidelines (Richards et al. 2015 PMID: 25741868, with internal and published modifications).

Blueprint Genetics
Classification: Likely benign. Last evaluated: 2024-11-23. Review status: criteria provided, single submitter. Criteria: ACMG Guidelines, 2015. Collection method: clinical testing. Allele origin: germline.

Labcorp Genetics (formerly Invitae), Labcorp
Classification: Benign for Epileptic encephalopathy. Last evaluated: 2024-04-01. Review status: criteria provided, single submitter. Criteria: Invitae Variant Classification Sherloc (09022015). Collection method: clinical testing. Allele origin: germline.

NM_001036.6(RYR3):c.5484A>G (p.Ala1828=)

Gene: RYR3 (ryanodine receptor 3; plus strand). Cytogenetic location: 15q14.
Variant type: single nucleotide variant.
Coding change: c.5484A>G on transcript NM_001036.6 (MANE Select); coding-DNA position 5484, A replaced by G.
Protein change: p.Ala1828=; no amino-acid change (alanine 1828 retained).
Molecular consequence: synonymous variant.
Genome position (GRCh38, 1-based): chr15:33,663,602, A>G. VCF-style: chr15-33663602-A-G. GRCh37 (hg19) VCF-style: chr15-33955803-A-G.
Other names: c.5484A>G, p.Ala1828= (NM_001243996.4).
Identifiers: ClinVar variation 461929 (VCV000461929.37), dbSNP rs187371252, ClinGen allele CA7459276.
Genomic context (GRCh38, chr15:33,663,602, plus strand): 5'-TGAGCTCCTCAGCTATCTCTGCGACTGTGAGCTGCAGCACCGAGTGGAGGCCATTGTGGC[A>G]TTTGGTGACATTTATGTCTCCAAGCTGCAGGCAAATCAGAAGTTCCGCTACAATGAGCTC-3'
Protein context (NP_001027.3, residues 1818-1838): ELQHRVEAIV[Ala1828=]FGDIYVSKLQ